The following is an entry in ClinVar:

ClinVar aggregate classification (germline): Likely pathogenic (1 of 4 stars; one submission).

Conditions:
Ehlers-Danlos syndrome, type 4 (EDSVASC). Also called: Ehlers-Danlos syndrome vascular type; Ehlers Danlos syndrome, ecchymotic type; Ehlers Danlos syndrome, arterial type; Ehlers Danlos syndrome, Sack-Barabas type; Ehlers-Danlos Syndrome Type IV. Identifiers: Orphanet 286, MedGen C0268338, MONDO:0017314, OMIM 130050.

Submission:

Labcorp Genetics (formerly Invitae), Labcorp
Classification: Likely pathogenic for Ehlers-Danlos syndrome, type 4. Last evaluated: 2024-12-03. Review status: criteria provided, single submitter. Criteria: Invitae Variant Classification Sherloc (09022015). Collection method: clinical testing. Allele origin: germline.
Comment: This sequence change replaces glycine, which is neutral and non-polar, with alanine, which is neutral and non-polar, at codon 1053 of the COL3A1 protein (p.Gly1053Ala). This variant is not present in population databases (gnomAD no frequency). This missense change has been observed in individual(s) with clinical features of autosomal dominant COL3A1-related conditions (internal data). Invitae Evidence Modeling of protein sequence and biophysical properties (such as structural, functional, and spatial information, amino acid conservation, physicochemical variation, residue mobility, and thermodynamic stability) indicates that this missense variant is expected to disrupt COL3A1 protein function with a positive predictive value of 95%. This variant disrupts the triple helix domain of COL3A1. Glycine residues within the Gly-Xaa-Yaa repeats of the triple helix domain are required for the structure and stability of fibrillar collagens (PMID: 7695699, 8218237, 19344236). In COL3A1, variants that affect these glycine residues are significantly enriched in individuals with disease (PMID: 24922459, 25758994) compared to the general population (ExAC). This variant disrupts the p.Gly1053 amino acid residue in COL3A1. Other variant(s) that disrupt this residue have been observed in individuals with COL3A1-related conditions (PMID: 25149929), which suggests that this may be a clinically significant amino acid residue. In summary, the currently available evidence indicates that the variant is pathogenic, but additional data are needed to prove that conclusively. Therefore, this variant has been classified as Likely Pathogenic.

Literature cited by the submitters: PubMed 7695699; PubMed 8218237; PubMed 19344236; PubMed 24922459; PubMed 25758994; PubMed 25149929.

NM_000090.4(COL3A1):c.3158G>C (p.Gly1053Ala)

Gene: COL3A1 (collagen type III alpha 1 chain; plus strand). Cytogenetic location: 2q32.2.
Variant type: single nucleotide variant.
Coding change: c.3158G>C on transcript NM_000090.4 (MANE Select); coding-DNA position 3158, G replaced by C.
Protein change: p.Gly1053Ala; replaces glycine 1053 with alanine.
Molecular consequence: missense variant.
Genome position (GRCh38, 1-based): chr2:189,006,409, G>C. VCF-style: chr2-189006409-G-C. GRCh37 (hg19) VCF-style: chr2-189871135-G-C.
Other names: short protein forms G1053A.
Identifiers: ClinVar variation 3634103 (VCV003634103.2).